The following is an entry in ClinVar:

ClinVar aggregate classification (germline): Uncertain significance. Review status: criteria provided, multiple submitters, no conflicts (2 of 4 stars). 2 submissions from 2 submitters: Uncertain significance (2). Last evaluated 2024-12-23.

Conditions:
Inborn genetic diseases. Identifiers: MedGen C0950123, MeSH D030342.

Allele frequency attached by ClinVar (database versions not stated): gnomAD exomes 0.00002 and 0.00007; ExAC 0.00006; gnomAD 0.00015 and 0.00019; 1000 Genomes Project 30x 0.00016; 1000 Genomes Project 0.00020; TOPMed 0.00020; ESP Exome Variant Server 0.00031.
gnomAD v4.1: 48 of 1,614,132 alleles (0.003%); highest among the groups gnomAD compares: African/African-American, 0.056%; 1 homozygote.

Submissions (2):

Ambry Genetics
Classification: Uncertain significance for Inborn genetic diseases. Last evaluated: 2024-12-23. Review status: criteria provided, single submitter. Criteria: Ambry Variant Classification Scheme 2023. Collection method: clinical testing. Allele origin: germline.

GeneDx
Classification: Uncertain significance. Last evaluated: 2021-11-04. Review status: criteria provided, single submitter. Criteria: GeneDx Variant Classification Process June 2021. Collection method: clinical testing. Allele origin: germline. Affected: yes.
Comment: In silico analysis supports that this missense variant does not alter protein structure/function; Has not been previously published as pathogenic or benign to our knowledge

NM_004431.5(EPHA2):c.2662G>A (p.Asp888Asn)

Gene: EPHA2 (EPH receptor A2; minus strand). Cytogenetic location: 1p36.13.
Variant type: single nucleotide variant.
Coding change: c.2662G>A on transcript NM_004431.5 (MANE Select); coding-DNA position 2662, G replaced by A.
Protein change: p.Asp888Asn; replaces aspartic acid 888 with asparagine.
Molecular consequence: missense variant.
Genome position (GRCh38, 1-based): chr1:16,130,233, C>T on the plus strand (G>A on the coding strand, the complement: EPHA2 is on the minus strand). VCF-style: chr1-16130233-C-T. GRCh37 (hg19) VCF-style: chr1-16456728-C-T.
Other names: c.2500G>A, p.Asp834Asn (NM_001329090.2); short protein forms D834N, D888N.
Identifiers: ClinVar variation 1321764 (VCV001321764.3), dbSNP rs138168734, ClinGen allele CA624770.